The following is an entry in ClinVar:

ClinVar aggregate classification (germline): Uncertain significance (1 of 4 stars; one submission).

gnomAD v4.1: 15 of 1,614,222 alleles (0.00093%); highest among the groups gnomAD compares: Admixed American, 0.015%; no homozygotes.

Submission:

GeneDx
Classification: Uncertain significance. Last evaluated: 2025-04-28. Review status: criteria provided, single submitter. Criteria: GeneDx Variant Classification Process June 2021. Collection method: clinical testing. Allele origin: germline. Affected: yes.
Comment: Not observed at significant frequency in large population cohorts (gnomAD); In silico analysis indicates that this missense variant does not alter protein structure/function; Has not been previously published as pathogenic or benign to our knowledge

NM_016327.3(UPB1):c.188A>T (p.Glu63Val)

Gene: UPB1 (beta-ureidopropionase 1; plus strand). Cytogenetic location: 22q11.23.
Variant type: single nucleotide variant.
Coding change: c.188A>T on transcript NM_016327.3 (MANE Select); coding-DNA position 188, A replaced by T.
Protein change: p.Glu63Val; replaces glutamic acid 63 with valine.
Molecular consequence: missense variant.
Genome position (GRCh38, 1-based): chr22:24,500,190, A>T. VCF-style: chr22-24500190-A-T. GRCh37 (hg19) VCF-style: chr22-24896158-A-T.
Other names: short protein forms E63V.
Identifiers: ClinVar variation 4527552 (VCV004527552.1).